The following is an entry in ClinVar:

ClinVar aggregate classification (germline): Uncertain significance (1 of 4 stars; one submission).

gnomAD v4.1: 2 of 1,612,530 alleles (0.00012%); highest among the groups gnomAD compares: Admixed American, 0.0017%; no homozygotes.

Submission:

Labcorp Genetics (formerly Invitae), Labcorp
Classification: Uncertain significance. Last evaluated: 2025-08-19. Review status: criteria provided, single submitter. Criteria: Invitae Variant Classification Sherloc (09022015). Collection method: clinical testing. Allele origin: germline.
Comment: This sequence change replaces tyrosine, which is neutral and polar, with histidine, which is basic and polar, at codon 452 of the CACNA2D4 protein (p.Tyr452His). This variant is not present in population databases (gnomAD no frequency). This variant has not been reported in the literature in individuals affected with CACNA2D4-related conditions. An algorithm developed to predict the effect of missense changes on protein structure and function (PolyPhen-2) suggests that this variant is likely to be disruptive. In summary, the available evidence is currently insufficient to determine the role of this variant in disease. Therefore, it has been classified as a Variant of Uncertain Significance.

NM_172364.5(CACNA2D4):c.1354T>C (p.Tyr452His)

Gene: CACNA2D4 (calcium voltage-gated channel auxiliary subunit alpha2delta 4; minus strand). Cytogenetic location: 12p13.33.
Variant type: single nucleotide variant.
Coding change: c.1354T>C on transcript NM_172364.5 (MANE Select); coding-DNA position 1354, T replaced by C.
Protein change: p.Tyr452His; replaces tyrosine 452 with histidine.
Molecular consequence: missense variant.
Genome position (GRCh38, 1-based): chr12:1,882,998, A>G on the plus strand (T>C on the coding strand, the complement: CACNA2D4 is on the minus strand). VCF-style: chr12-1882998-A-G. GRCh37 (hg19) VCF-style: chr12-1992164-A-G.
Other names: short protein forms Y452H.
Identifiers: ClinVar variation 4712088 (VCV004712088.1).